The following is an entry in ClinVar:

ClinVar aggregate classification (germline): Pathogenic (1 of 4 stars; one submission).

Conditions:
Retinoblastoma (RB1). Also called: RETINOBLASTOMA, SOMATIC. Identifiers: Orphanet 790, MedGen C0035335, MeSH D012175, MONDO:0008380, OMIM 180200, HP:0009919. Disease mechanism: loss of function. Inheritance: Both sporadic and heritable forms are tested..

Submission:

Genetic Diagnostic Laboratory, University of Pennsylvania School of Medicine
Classification: Pathogenic for Retinoblastoma. Last evaluated: 2024-05-20. Review status: criteria provided, single submitter. Criteria: ACMG Guidelines, 2015. Collection method: clinical testing. Allele origin: germline. Affected: yes. Observed: 1 variant allele.
Comment: Case and Pedigree Information: BILATERAL CASES:1, UNILATERAL CASES:0, TOTAL CASES:1, PEDIGREES:1. ACMG Codes Applied:PVS1, PM2

NM_000321.3(RB1):c.888del (p.Phe296fs)

Gene: RB1 (RB transcriptional corepressor 1; plus strand). Cytogenetic location: 13q14.2.
Variant type: Deletion.
Coding change: c.888del on transcript NM_000321.3 (MANE Select); coding-DNA position 888, one base deleted (T; older notation c.888delT).
Protein change: p.Phe296fs; shifts the reading frame from phenylalanine 296.
Molecular consequence: frameshift variant.
Genome position (GRCh38, 1-based): chr13:48,364,920, T deleted; the last of 4 consecutive T bases (chr13:48,364,917-48,364,920); deleting any one gives the same sequence. VCF-style (leftmost placement, unchanged base first): chr13-48364916-AT-A. GRCh37 (hg19) VCF-style: chr13-48939052-AT-A.
Other names: c.888del, p.Phe296fs (NM_001407165.1, NM_001407166.1); short protein forms F296fs.
Identifiers: ClinVar variation 3236936 (VCV003236936.1), dbSNP rs2542185042.
Genomic context (GRCh38, chr13:48,364,916, plus strand): 5'-AAATTTTAATGATCATGTTGTAACTTCATCTTTTTCAGGTGAAAAATGTTTATTTCAAAA[AT>A]TTTATACCTTTTATGAATTCTCTTGGACTTGTAACATCTAATGGACTTCCAGAGGTAATC-3'